The following is an entry in ClinVar:

ClinVar aggregate classification (germline): Likely benign (0 of 4 stars; one submission).

Conditions:
MSR1-related disorder. Also called: MSR1-related condition.

Allele frequency attached by ClinVar (database versions not stated): ExAC 0.00027; ESP Exome Variant Server 0.00069; gnomAD 0.00078; TOPMed 0.00082; 1000 Genomes Project 30x 0.00187; 1000 Genomes Project 0.00200.
gnomAD v4.1: 220 of 1,614,136 alleles (0.014%); highest among the groups gnomAD compares: African/African-American, 0.25%; no homozygotes.

Submissions (2):

PreventionGenetics, part of Exact Sciences
Classification: Likely benign for MSR1-related condition. Last evaluated: 2022-06-01. Review status: no assertion criteria provided. Collection method: clinical testing. Allele origin: germline.
Comment: This variant is classified as likely benign based on ACMG/AMP sequence variant interpretation guidelines (Richards et al. 2015 PMID: 25741868, with internal and published modifications).

Dr. Peter K. Rogan Lab, Western University
No classification provided (evidence only). Condition: Cervical cancer. Review status: no classification provided. Collection method: in vitro. Allele origin: not applicable. Functional consequence: skipped exon. Not counted in ClinVar's aggregate classification.

NM_138715.3(MSR1):c.541A>G (p.Ile181Val)

Gene: MSR1 (macrophage scavenger receptor 1; minus strand). Cytogenetic location: 8p22.
Variant type: single nucleotide variant.
Coding change: c.541A>G on transcript NM_138715.3 (MANE Select); coding-DNA position 541, A replaced by G.
Protein change: p.Ile181Val; replaces isoleucine 181 with valine.
Molecular consequence: missense variant.
Genome position (GRCh38, 1-based): chr8:16,168,547, T>C on the plus strand (A>G on the coding strand, the complement: MSR1 is on the minus strand). VCF-style: chr8-16168547-T-C. GRCh37 (hg19) VCF-style: chr8-16026056-T-C.
Other names: NC_000008.10:g.16026056T>C; c.595A>G, p.Ile199Val (NM_001363744.1); c.541A>G, p.Ile181Val (NM_002445.4, NM_138716.3); short protein forms I181V, I199V.
Identifiers: ClinVar variation 3053687 (VCV003053687.3), dbSNP rs113250199, ClinGen allele CA4641276.